The following is an entry in ClinVar:

ClinVar aggregate classification (germline): Uncertain significance (1 of 4 stars; one submission).

Conditions:
Hereditary cancer-predisposing syndrome. Also called: Neoplastic Syndromes, Hereditary; Hereditary Cancer Syndrome; Hereditary neoplastic syndrome; Tumor predisposition. Identifiers: Orphanet 140162, MedGen C0027672, MeSH D009386, MONDO:0015356.

Submission:

Ambry Genetics
Classification: Uncertain significance for Hereditary cancer-predisposing syndrome. Last evaluated: 2023-04-07. Review status: criteria provided, single submitter. Criteria: Ambry Variant Classification Scheme 2023. Collection method: clinical testing. Allele origin: germline.
Comment: The p.G862R variant (also known as c.2584G>C), located in coding exon 19 of the MSH3 gene, results from a G to C substitution at nucleotide position 2584. The glycine at codon 862 is replaced by arginine, an amino acid with dissimilar properties. This amino acid position is highly conserved in available vertebrate species. In addition, this alteration is predicted to be deleterious by in silico analysis. Since supporting evidence is limited at this time, the clinical significance of this alteration remains unclear.

NM_002439.5(MSH3):c.2584G>C (p.Gly862Arg)

Gene: MSH3 (mutS homolog 3; plus strand). Cytogenetic location: 5q14.1.
Variant type: single nucleotide variant.
Coding change: c.2584G>C on transcript NM_002439.5 (MANE Select); coding-DNA position 2584, G replaced by C.
Protein change: p.Gly862Arg; replaces glycine 862 with arginine.
Molecular consequence: missense variant.
Genome position (GRCh38, 1-based): chr5:80,792,773, G>C. VCF-style: chr5-80792773-G-C. GRCh37 (hg19) VCF-style: chr5-80088592-G-C.
Other names: short protein forms G862R.
Identifiers: ClinVar variation 2565638 (VCV002565638.2), dbSNP rs2546786768, ClinGen allele CA360272915.
Genomic context (GRCh38, chr5:80,792,773, plus strand): 5'-AACATATTTCTTTTTTGCAGACCAACTGTACAAGAAGAAAGAAAAATTGTAATAAAAAAT[G>C]GAAGGCACCCTGTGATTGATGTGTTGCTGGGAGAACAGGATCAATATGTCCCAAATAATA-3'
Protein context (NP_002430.3, residues 852-872): QEERKIVIKN[Gly862Arg]RHPVIDVLLG